The following is an entry in ClinVar:

NM_004006.3(DMD):c.1388G>T (p.Trp463Leu)

Gene: DMD (dystrophin; minus strand). Cytogenetic location: Xp21.1.
Variant type: single nucleotide variant.
Coding change: c.1388G>T on transcript NM_004006.3 (MANE Select); coding-DNA position 1388, G replaced by T.
Protein change: p.Trp463Leu; replaces tryptophan 463 with leucine.
Molecular consequence: missense variant.
Genome position (GRCh38, 1-based): chrX:32,614,397, C>A on the plus strand (G>T on the coding strand, the complement: DMD is on the minus strand). VCF-style: chrX-32614397-C-A. GRCh37 (hg19) VCF-style: chrX-32632514-C-A.
Other names: c.1364G>T, p.Trp455Leu (NM_000109.4); c.1376G>T, p.Trp459Leu (NM_004009.3); c.1019G>T, p.Trp340Leu (NM_004010.3); short protein forms W340L, W455L, W459L, W463L.
Identifiers: ClinVar variation 1017962 (VCV001017962.10), dbSNP rs863224981, ClinGen allele CA412670120.

ClinVar aggregate classification (germline): Conflicting classifications of pathogenicity. Review status: criteria provided, conflicting classifications (1 of 4 stars). 5 submissions from 5 submitters: Uncertain significance (3); Likely benign (1). 1 of the submissions does not count toward it. Last evaluated 2026-05-14.

Conditions:
Cardiovascular phenotype. Identifiers: MedGen CN230736.
Duchenne muscular dystrophy (DMD). Also called: MUSCULAR DYSTROPHY, PSEUDOHYPERTROPHIC PROGRESSIVE, DUCHENNE TYPE; Duchenne Muscular Dystrophy (DMD). Identifiers: Orphanet 98896, MedGen C0013264, MONDO:0010679, OMIM 310200.
Dystrophin deficiency.
Becker muscular dystrophy (BMD). Also called: MUSCULAR DYSTROPHY, PSEUDOHYPERTROPHIC PROGRESSIVE, BECKER TYPE; Becker Muscular Dystrophy (BMD). Identifiers: Orphanet 98895, MedGen C0917713, MONDO:0010311, OMIM 300376.
Cardiomyopathy (CMYO). Also called: Cardiomyopathies. Identifiers: Orphanet 167848, MedGen C0878544, MONDO:0004994, HP:0001638. Inheritance: Various modes of inheritance.
Dilated cardiomyopathy 3B (CMD3B). Also called: CMD3B: DMD-Related Dilated Cardiomyopathy; CARDIOMYOPATHY, DILATED, X-LINKED; DMD-Associated Dilated Cardiomyopathy. Identifiers: Orphanet 154, MedGen C3668940, MONDO:0010542, OMIM 302045.

Allele frequency attached by ClinVar (database versions not stated): gnomAD 0.00001; TOPMed 0.00001.
gnomAD v4.1: 1 of 1,205,235 alleles (0.000083%); highest among the groups gnomAD compares: Admixed American, 0.0022%; no homozygotes.

Submissions (5):

Ambry Genetics
Classification: Uncertain significance for Cardiovascular phenotype. Last evaluated: 2026-05-14. Review status: criteria provided, single submitter. Criteria: Ambry Variant Classification Scheme 2023. Collection method: clinical testing. Allele origin: germline.

GeneDx
Classification: Likely benign. Last evaluated: 2023-12-28. Review status: criteria provided, single submitter. Criteria: GeneDx Variant Classification Process June 2021. Collection method: clinical testing. Allele origin: germline. Affected: yes.
Comment: See Variant Classification Assertion Criteria.

Fulgent Genetics
Classification: Uncertain significance for Becker muscular dystrophy; Dilated cardiomyopathy 3B; Duchenne muscular dystrophy. Last evaluated: 2022-03-01. Review status: criteria provided, single submitter. Criteria: ACMG Guidelines, 2015. Collection method: clinical testing. Allele origin: unknown.

Labcorp Genetics (formerly Invitae), Labcorp
Classification: Uncertain significance for Duchenne muscular dystrophy. Last evaluated: 2021-08-24. Review status: criteria provided, single submitter. Criteria: Invitae Variant Classification Sherloc (09022015). Collection method: clinical testing. Allele origin: germline.
Comment: This sequence change replaces tryptophan with leucine at codon 463 of the DMD protein (p.Trp463Leu). The tryptophan residue is highly conserved and there is a small physicochemical difference between tryptophan and leucine. This variant is not present in population databases (ExAC no frequency). This variant has not been reported in the literature in individuals affected with DMD-related conditions. Algorithms developed to predict the effect of missense changes on protein structure and function are either unavailable or do not agree on the potential impact of this missense change (SIFT: "Tolerated"; PolyPhen-2: "Possibly Damaging"; Align-GVGD: "Class C0"). In summary, the available evidence is currently insufficient to determine the role of this variant in disease. Therefore, it has been classified as a Variant of Uncertain Significance.

Natera, Inc.
Classification: Uncertain significance for Becker muscular dystrophy; Cardiomyopathy; Duchenne muscular dystrophy; Dystrophin deficiency. Last evaluated: 2018-12-17. Review status: no assertion criteria provided. Collection method: clinical testing. Allele origin: germline. Not counted in ClinVar's aggregate classification.